The following is an entry in ClinVar:

ClinVar aggregate classification (germline): Uncertain significance. Review status: criteria provided, multiple submitters, no conflicts (2 of 4 stars). 2 submissions from 2 submitters: Uncertain significance (2). Last evaluated 2025-04-11.

Conditions:
Inborn genetic diseases. Identifiers: MedGen C0950123, MeSH D030342.

Allele frequency attached by ClinVar (database versions not stated): ExAC 0.00001.
gnomAD v4.1: 3 of 1,614,010 alleles (0.00019%); highest among the groups gnomAD compares: African/African-American, 0.004%; no homozygotes.

Submissions (2):

Ambry Genetics
Classification: Uncertain significance for Inborn genetic diseases. Last evaluated: 2025-04-11. Review status: criteria provided, single submitter. Criteria: Ambry Variant Classification Scheme 2023. Collection method: clinical testing. Allele origin: germline.

Women's Health and Genetics/Laboratory Corporation of America, LabCorp
Classification: Uncertain significance. Last evaluated: 2024-04-17. Review status: criteria provided, single submitter. Criteria: LabCorp Variant Classification Summary - May 2015. Collection method: clinical testing. Allele origin: germline.
Comment: Variant summary: AAAS c.885G>T (p.Trp295Cys) results in a non-conservative amino acid change in the encoded protein sequence. Five of five in-silico tools predict a damaging effect of the variant on protein function. The variant allele was found at a frequency of 4e-06 in 251476 control chromosomes. The available data on variant occurrences in the general population are insufficient to allow any conclusion about variant significance. To our knowledge, no occurrence of c.885G>T in individuals affected with Glucocorticoid Deficiency With Achalasia and no experimental evidence demonstrating its impact on protein function have been reported. No submitters have cited clinical-significance assessments for this variant to ClinVar. Based on the evidence outlined above, the variant was classified as uncertain significance.

NM_015665.6(AAAS):c.885G>T (p.Trp295Cys)

Gene: AAAS (aladin WD repeat nucleoporin; minus strand). Cytogenetic location: 12q13.13.
Variant type: single nucleotide variant.
Coding change: c.885G>T on transcript NM_015665.6 (MANE Select); coding-DNA position 885, G replaced by T.
Protein change: p.Trp295Cys; replaces tryptophan 295 with cysteine.
Molecular consequence: missense variant.
Genome position (GRCh38, 1-based): chr12:53,309,207, C>A on the plus strand (G>T on the coding strand, the complement: AAAS is on the minus strand). VCF-style: chr12-53309207-C-A. GRCh37 (hg19) VCF-style: chr12-53702991-C-A.
Other names: c.786G>T, p.Trp262Cys (NM_001173466.2); c.885G>T (NM_015665.5); short protein forms W262C, W295C.
Identifiers: ClinVar variation 3251925 (VCV003251925.2), dbSNP rs766542823.